The following is an entry in ClinVar:

ClinVar aggregate classification (germline): Uncertain significance (1 of 4 stars; one submission).

gnomAD v4.1: 1 of 1,611,690 alleles (0.000062%); highest among the groups gnomAD compares: Non-Finnish European, 0.000085%; no homozygotes.

Submission:

GeneDx
Classification: Uncertain significance. Last evaluated: 2023-04-03. Review status: criteria provided, single submitter. Criteria: GeneDx Variant Classification Process June 2021. Collection method: clinical testing. Allele origin: germline. Affected: yes.
Comment: Not observed at significant frequency in large population cohorts (gnomAD); In silico analysis supports that this missense variant has a deleterious effect on protein structure/function; Has not been previously published as pathogenic or benign to our knowledge

NM_001001331.4(ATP2B2):c.2426C>T (p.Thr809Ile)

Gene: ATP2B2 (ATPase plasma membrane Ca2+ transporting 2; minus strand). Cytogenetic location: 3p25.3.
Variant type: single nucleotide variant.
Coding change: c.2426C>T on transcript NM_001001331.4 (MANE Select); coding-DNA position 2426, C replaced by T.
Protein change: p.Thr809Ile; replaces threonine 809 with isoleucine.
Molecular consequence: missense variant.
Genome position (GRCh38, 1-based): chr3:10,346,116, G>A on the plus strand (C>T on the coding strand, the complement: ATP2B2 is on the minus strand). VCF-style: chr3-10346116-G-A. GRCh37 (hg19) VCF-style: chr3-10387800-G-A.
Other names: c.2291C>T, p.Thr764Ile (NM_001330611.3, NM_001353564.1, NM_001363862.1 and 1 more transcripts); short protein forms T764I, T809I.
Identifiers: ClinVar variation 3342983 (VCV003342983.1).